The following is an entry in ClinVar:

NM_021930.6(RINT1):c.881A>G (p.Tyr294Cys)

Gene: RINT1 (RAD50 interactor 1; plus strand). Cytogenetic location: 7q22.3.
Variant type: single nucleotide variant.
Coding change: c.881A>G on transcript NM_021930.6 (MANE Select); coding-DNA position 881, A replaced by G.
Protein change: p.Tyr294Cys; replaces tyrosine 294 with cysteine.
Molecular consequence: missense variant. On other transcripts: 5 prime UTR variant (2), non-coding transcript variant (1), intron variant (1).
Genome position (GRCh38, 1-based): chr7:105,548,595, A>G. VCF-style: chr7-105548595-A-G. GRCh37 (hg19) VCF-style: chr7-105189042-A-G.
Other names: c.647A>G, p.Tyr216Cys (NM_001346599.2); c.-139A>G (NM_001346600.2); c.-44A>G (NM_001346601.2); c.-27-1460A>G (NM_001346603.2); short protein forms Y294C, Y216C.
Identifiers: ClinVar variation 1764769 (VCV001764769.3), dbSNP rs1159218667, ClinGen allele CA368807907.

ClinVar aggregate classification (germline): Uncertain significance (1 of 4 stars; one submission).

Allele frequency attached by ClinVar (database versions not stated): gnomAD exomes below 0.00001; TOPMed below 0.00001; gnomAD 0.00001.
gnomAD v4.1: 3 of 1,613,834 alleles (0.00019%); highest among the groups gnomAD compares: Non-Finnish European, 0.00025%; no homozygotes.

Submission:

Ambry Genetics
Classification: Uncertain significance. Last evaluated: 2025-02-03. Review status: criteria provided, single submitter. Criteria: Ambry Variant Classification Scheme 2023. Collection method: clinical testing. Allele origin: germline.
Comment: The p.Y294C variant (also known as c.881A>G), located in coding exon 7 of the RINT1 gene, results from an A to G substitution at nucleotide position 881. The tyrosine at codon 294 is replaced by cysteine, an amino acid with highly dissimilar properties. This amino acid position is conserved. In addition, the in silico prediction for this alteration is inconclusive. Since supporting evidence is limited at this time, the clinical significance of this alteration remains unclear.